The following is an entry in ClinVar:

NM_001557.4(CXCR2):c.140A>G (p.Asn47Ser)

Gene: CXCR2 (C-X-C motif chemokine receptor 2; plus strand). Cytogenetic location: 2q35.
Variant type: single nucleotide variant.
Coding change: c.140A>G on transcript NM_001557.4 (MANE Select); coding-DNA position 140, A replaced by G.
Protein change: p.Asn47Ser; replaces asparagine 47 with serine.
Molecular consequence: missense variant.
Genome position (GRCh38, 1-based): chr2:218,134,941, A>G. VCF-style: chr2-218134941-A-G. GRCh37 (hg19) VCF-style: chr2-218999664-A-G.
Other names: c.140A>G, p.Asn47Ser (NM_001168298.2); short protein forms N47S.
Identifiers: ClinVar variation 2972803 (VCV002972803.3), dbSNP rs1233080228, ClinGen allele CA350528507.

ClinVar aggregate classification (germline): Uncertain significance (1 of 4 stars; one submission).

Allele frequency attached by ClinVar (database versions not stated): gnomAD exomes below 0.00001; TOPMed below 0.00001; gnomAD 0.00001.
gnomAD v4.1: 2 of 1,614,072 alleles (0.00012%); highest among the groups gnomAD compares: African/African-American, 0.0013%; no homozygotes.

Submission:

Labcorp Genetics (formerly Invitae), Labcorp
Classification: Uncertain significance. Last evaluated: 2022-12-12. Review status: criteria provided, single submitter. Criteria: Invitae Variant Classification Sherloc (09022015). Collection method: clinical testing. Allele origin: germline.
Comment: This variant is present in population databases (no rsID available, gnomAD 0.0009%). This sequence change replaces asparagine, which is neutral and polar, with serine, which is neutral and polar, at codon 47 of the CXCR2 protein (p.Asn47Ser). Algorithms developed to predict the effect of missense changes on protein structure and function (SIFT, PolyPhen-2, Align-GVGD) all suggest that this variant is likely to be tolerated. This variant has not been reported in the literature in individuals affected with CXCR2-related conditions. In summary, the available evidence is currently insufficient to determine the role of this variant in disease. Therefore, it has been classified as a Variant of Uncertain Significance.